The following is an entry in ClinVar:

NM_005592.4(MUSK):c.2520C>A (p.Ser840Arg)

Gene: MUSK (muscle associated receptor tyrosine kinase; plus strand). Cytogenetic location: 9q31.3.
Variant type: single nucleotide variant.
Coding change: c.2520C>A on transcript NM_005592.4 (MANE Select); coding-DNA position 2520, C replaced by A.
Protein change: p.Ser840Arg; replaces serine 840 with arginine.
Molecular consequence: missense variant.
Genome position (GRCh38, 1-based): chr9:110,800,898, C>A. VCF-style: chr9-110800898-C-A. GRCh37 (hg19) VCF-style: chr9-113563178-C-A.
Other names: c.2262C>A, p.Ser754Arg (NM_001166280.2); c.2232C>A, p.Ser744Arg (NM_001166281.2); c.1260C>A, p.Ser420Arg (NM_001369398.1); short protein forms S754R, S420R, S744R, S840R.
Identifiers: ClinVar variation 851303 (VCV000851303.14), dbSNP rs768074747, ClinGen allele CA5184645.
Genomic context (GRCh38, chr9:110,800,898, plus strand): 5'-CCTCTCCTGCCCTGAGAACTGCCCCGTGGAGCTGTACAATCTCATGCGTCTATGTTGGAG[C>A]AAGCTGCCTGCAGACAGACCCAGTTTCACCAGTATTCACCGAATTCTGGAACGCATGTGT-3'
Protein context (NP_005583.1, residues 830-850): ELYNLMRLCW[Ser840Arg]KLPADRPSFT

ClinVar aggregate classification (germline): Uncertain significance. Review status: criteria provided, multiple submitters, no conflicts (2 of 4 stars). 4 submissions from 4 submitters: Uncertain significance (4). Last evaluated 2023-03-26.

Conditions:
Congenital myasthenic syndrome 9. Also called: Myasthenic syndrome, congenital, 9, associated with acetylcholine receptor deficiency. Identifiers: Orphanet 590, MedGen C4225368, MONDO:0014587, OMIM 616325.
Fetal akinesia deformation sequence 1 (FADS1). Also called: Pena-Shokeir syndrome type I; Fetal akinesia sequence. Identifiers: Orphanet 994, MedGen C1276035, MONDO:0100101, OMIM 208150, HP:0001989.
Inborn genetic diseases. Identifiers: MedGen C0950123, MeSH D030342.

Allele frequency attached by ClinVar (database versions not stated): ExAC 0.00006; gnomAD 0.00009; TOPMed 0.00009.
gnomAD v4.1: 378 of 1,557,120 alleles (0.024%); highest among the groups gnomAD compares: Non-Finnish European, 0.032%; 1 homozygote.

Submissions (4):

GeneDx
Classification: Uncertain significance. Last evaluated: 2023-03-26. Review status: criteria provided, single submitter. Criteria: GeneDx Variant Classification Process June 2021. Collection method: clinical testing. Allele origin: germline. Affected: yes.
Comment: Not observed at significant frequency in large population cohorts (gnomAD); In silico analysis supports that this missense variant does not alter protein structure/function; Has not been previously published as pathogenic or benign to our knowledge; This variant is associated with the following publications: (PMID: 25537362)

Labcorp Genetics (formerly Invitae), Labcorp
Classification: Uncertain significance for Congenital myasthenic syndrome 9; Fetal akinesia deformation sequence 1. Last evaluated: 2022-09-02. Review status: criteria provided, single submitter. Criteria: Invitae Variant Classification Sherloc (09022015). Collection method: clinical testing. Allele origin: germline.
Comment: This sequence change replaces serine, which is neutral and polar, with arginine, which is basic and polar, at codon 840 of the MUSK protein (p.Ser840Arg). This variant is present in population databases (rs768074747, gnomAD 0.01%). This variant has not been reported in the literature in individuals affected with MUSK-related conditions. ClinVar contains an entry for this variant (Variation ID: 851303). Advanced modeling of protein sequence and biophysical properties (such as structural, functional, and spatial information, amino acid conservation, physicochemical variation, residue mobility, and thermodynamic stability) performed at Invitae indicates that this missense variant is not expected to disrupt MUSK protein function. In summary, the available evidence is currently insufficient to determine the role of this variant in disease. Therefore, it has been classified as a Variant of Uncertain Significance.

Ambry Genetics
Classification: Uncertain significance for Inborn genetic diseases. Last evaluated: 2022-01-26. Review status: criteria provided, single submitter. Criteria: Ambry Variant Classification Scheme 2023. Collection method: clinical testing. Allele origin: germline.

Illumina Laboratory Services, Illumina
Classification: Uncertain significance for Congenital myasthenic syndrome 9. Last evaluated: 2018-01-13. Review status: criteria provided, single submitter. Criteria: ICSL Variant Classification Criteria 13 December 2019. Collection method: clinical testing. Allele origin: germline.